The following is an entry in ClinVar:

NM_000243.3(MEFV):c.297C>T (p.Asn99=)

Gene: MEFV (MEFV innate immunity regulator, pyrin; minus strand). Cytogenetic location: 16p13.3.
Variant type: single nucleotide variant.
Coding change: c.297C>T on transcript NM_000243.3 (MANE Select); coding-DNA position 297, C replaced by T.
Protein change: p.Asn99=; no amino-acid change (asparagine 99 retained).
Molecular consequence: synonymous variant. On other transcripts: intron variant (1).
Genome position (GRCh38, 1-based): chr16:3,254,771, G>A on the plus strand (C>T on the coding strand, the complement: MEFV is on the minus strand). VCF-style: chr16-3254771-G-A. GRCh37 (hg19) VCF-style: chr16-3304771-G-A.
Other names: c.277+1540C>T (NM_001198536.2).
Identifiers: ClinVar variation 97514 (VCV000097514.37), dbSNP rs104895175, ClinGen allele CA280580.

ClinVar aggregate classification (germline): Conflicting classifications of pathogenicity. Review status: criteria provided, conflicting classifications (1 of 4 stars). 11 submissions from 11 submitters: Uncertain significance (1); Benign (3); Likely benign (4). 3 of the submissions do not count toward it. Last evaluated 2026-01-29.

Conditions:
MEFV-related disorder. Also called: MEFV-related disorders; MEFV-related condition.
Autoinflammatory syndrome. Identifiers: Orphanet 93665, MedGen C3890737, MONDO:0019751.
Inborn genetic diseases. Identifiers: MedGen C0950123, MeSH D030342.
Familial Mediterranean fever (FMF). Also called: POLYSEROSITIS, FAMILIAL PAROXYSMAL; POLYSEROSITIS, RECURRENT; Periodic peritonitis; Benign paroxysmal peritonitis. Identifiers: Orphanet 342, MedGen C0031069, MONDO:0018088, OMIM 249100. Disease mechanism: gain of function.
Familial Mediterranean fever, autosomal dominant. Also called: FMF, AUTOSOMAL DOMINANT; Dominant Familial Mediterranean Fever. Identifiers: Orphanet 342, MedGen C1851347, MONDO:0007601, OMIM 134610.

Allele frequency attached by ClinVar (database versions not stated): gnomAD 0.00016; gnomAD exomes 0.00023 and 0.00052; TOPMed 0.00033; ExAC 0.00037; ESP Exome Variant Server 0.00047.
gnomAD v4.1: 410 of 1,612,066 alleles (0.025%); highest among the groups gnomAD compares: Non-Finnish European, 0.0049%; 3 homozygotes.

Submissions (11):

Labcorp Genetics (formerly Invitae), Labcorp
Classification: Benign for Familial Mediterranean fever. Last evaluated: 2026-01-29. Review status: criteria provided, single submitter. Criteria: Invitae Variant Classification Sherloc (09022015). Collection method: clinical testing. Allele origin: germline.

ARUP Laboratories, Molecular Genetics and Genomics, ARUP Laboratories
Classification: Benign. Last evaluated: 2025-02-18. Review status: criteria provided, single submitter. Criteria: ARUP Molecular Germline Variant Investigation Process 2024. Collection method: clinical testing. Allele origin: germline.

Blueprint Genetics
Classification: Likely benign. Last evaluated: 2024-11-27. Review status: criteria provided, single submitter. Criteria: ACMG Guidelines, 2015. Collection method: clinical testing. Allele origin: germline.

Ambry Genetics
Classification: Likely benign for Inborn genetic diseases. Last evaluated: 2022-05-20. Review status: criteria provided, single submitter. Criteria: Ambry Variant Classification Scheme 2023. Collection method: clinical testing. Allele origin: germline.

Women's Health and Genetics/Laboratory Corporation of America, LabCorp
Classification: Likely benign. Last evaluated: 2019-08-28. Review status: criteria provided, single submitter. Criteria: LabCorp Variant Classification Summary - May 2015. Collection method: clinical testing. Allele origin: germline.

Illumina Laboratory Services, Illumina
Classification: Uncertain significance for Familial Mediterranean fever. Last evaluated: 2018-01-12. Review status: criteria provided, single submitter. Criteria: ICSL Variant Classification Criteria 13 December 2019. Collection method: clinical testing. Allele origin: germline.

Genome Diagnostics Laboratory, The Hospital for Sick Children
Classification: Likely benign for Autoinflammatory syndrome. Last evaluated: 2017-11-01. Review status: criteria provided, single submitter. Criteria: ACMG Guidelines, 2015. Collection method: clinical testing. Allele origin: germline. Affected: yes.

GeneDx
Classification: Benign. Last evaluated: 2015-03-03. Review status: criteria provided, single submitter. Criteria: GeneDx Variant Classification Process June 2021. Collection method: clinical testing. Allele origin: germline. Affected: yes.

Natera, Inc.
Classification: Benign for Autosomal dominant familial Mediterranean fever. Last evaluated: 2020-01-10. Review status: no assertion criteria provided. Collection method: clinical testing. Allele origin: germline. Not counted in ClinVar's aggregate classification.

PreventionGenetics, part of Exact Sciences
Classification: Benign for MEFV-related condition. Last evaluated: 2019-11-16. Review status: no assertion criteria provided. Collection method: clinical testing. Allele origin: germline. Not counted in ClinVar's aggregate classification.
Comment: This variant is classified as benign based on ACMG/AMP sequence variant interpretation guidelines (Richards et al. 2015 PMID: 25741868, with internal and published modifications).

Unité médicale des maladies autoinflammatoires, CHRU Montpellier
No classification provided. Condition: Familial Mediterranean fever. Review status: no classification provided. Collection method: not provided. Allele origin: unknown. Not counted in ClinVar's aggregate classification.